The following is an entry in ClinVar:

NM_020738.4(KIDINS220):c.4524G>A (p.Lys1508=)

Gene: KIDINS220 (kinase D interacting substrate 220; minus strand). Cytogenetic location: 2p25.1.
Variant type: single nucleotide variant.
Coding change: c.4524G>A on transcript NM_020738.4 (MANE Select); coding-DNA position 4524, G replaced by A.
Protein change: p.Lys1508=; no amino-acid change (lysine 1508 retained).
Molecular consequence: synonymous variant. On other transcripts: intron variant (6).
Genome position (GRCh38, 1-based): chr2:8,731,512, C>T on the plus strand (G>A on the coding strand, the complement: KIDINS220 is on the minus strand). VCF-style: chr2-8731512-C-T. GRCh37 (hg19) VCF-style: chr2-8871642-C-T.
Other names: c.4527G>A, p.Lys1509= (NM_001348729.2); c.4470G>A, p.Lys1490= (NM_001348731.2); c.4467G>A, p.Lys1489= (NM_001348732.2); c.4356G>A, p.Lys1452= (NM_001348734.2); c.4353G>A, p.Lys1451= (NM_001348735.2); c.4227G>A, p.Lys1409= (NM_001348736.2); c.3882+1932G>A (NM_001348741.2, NM_001348742.2, NM_001348743.2); c.3996+1932G>A (NM_001348738.2); and 2 more.
Identifiers: ClinVar variation 1662264 (VCV001662264.9), dbSNP rs1184901822, ClinGen allele CA425083227.
Genomic context (GRCh38, chr2:8,731,512, plus strand): 5'-TGTGCCAGATTCATCCTCGTCACTTGGGAGTTTTTGATAGCGCAGCCCACTTCCCTTAAG[C>T]TTCAAATCTGTCTGGAAGAGGCTTGACCTTTCGGAAGATTTCTTGCCTGGGAGAAGCTTA-3'
Protein context (NP_065789.1, residues 1498-1518): ERSSLFQTDL[Lys1508=]LKGSGLRYQK

ClinVar aggregate classification (germline): Likely benign. Review status: criteria provided, single submitter (1 of 4 stars). 2 submissions from 2 submitters: Likely benign (1). 1 of the submissions does not count toward it. Last evaluated 2025-10-01.

Conditions:
KIDINS220-related disorder. Also called: KIDINS220-related condition.

Allele frequency attached by ClinVar (database versions not stated): gnomAD 0.00001; gnomAD exomes 0.00001; TOPMed 0.00003.
gnomAD v4.1: 5 of 1,614,098 alleles (0.00031%); highest among the groups gnomAD compares: Admixed American, 0.0083%; no homozygotes.

Submissions (2):

Labcorp Genetics (formerly Invitae), Labcorp
Classification: Likely benign. Last evaluated: 2025-10-01. Review status: criteria provided, single submitter. Criteria: Invitae Variant Classification Sherloc (09022015). Collection method: clinical testing. Allele origin: germline.

PreventionGenetics, part of Exact Sciences
Classification: Likely benign for KIDINS220-related condition. Last evaluated: 2022-01-03. Review status: no assertion criteria provided. Collection method: clinical testing. Allele origin: germline. Not counted in ClinVar's aggregate classification.
Comment: This variant is classified as likely benign based on ACMG/AMP sequence variant interpretation guidelines (Richards et al. 2015 PMID: 25741868, with internal and published modifications).